The following is an entry in ClinVar:

ClinVar aggregate classification (germline): Pathogenic (1 of 4 stars; one submission).

Submission:

Labcorp Genetics (formerly Invitae), Labcorp
Classification: Pathogenic. Last evaluated: 2023-07-26. Review status: criteria provided, single submitter. Criteria: Invitae Variant Classification Sherloc (09022015). Collection method: clinical testing. Allele origin: germline.
Comment: This sequence change creates a premature translational stop signal (p.Glu1501*) in the FREM2 gene. It is expected to result in an absent or disrupted protein product. Loss-of-function variants in FREM2 are known to be pathogenic (PMID: 18203166, 26552811). This variant is not present in population databases (gnomAD no frequency). This variant has not been reported in the literature in individuals affected with FREM2-related conditions. For these reasons, this variant has been classified as Pathogenic.

Literature cited by the submitters: PubMed 18203166; PubMed 26552811.

NM_207361.6(FREM2):c.4501G>T (p.Glu1501Ter)

Gene: FREM2 (FRAS1 related extracellular matrix 2; plus strand). Cytogenetic location: 13q13.3.
Variant type: single nucleotide variant.
Coding change: c.4501G>T on transcript NM_207361.6 (MANE Select); coding-DNA position 4501, G replaced by T.
Protein change: p.Glu1501Ter; replaces glutamic acid 1501 with a stop codon.
Molecular consequence: nonsense.
Genome position (GRCh38, 1-based): chr13:38,691,845, G>T. VCF-style: chr13-38691845-G-T. GRCh37 (hg19) VCF-style: chr13-39265982-G-T.
Other names: short protein forms E1501*.
Identifiers: ClinVar variation 2747163 (VCV002747163.3), dbSNP rs2541360961, ClinGen allele CA387893262.
Genomic context (GRCh38, chr13:38,691,845, plus strand): 5'-TCTTTCACTCAGCTGCAACTGGCTGGAAACAAAATCTACTACATCCACACAGCTGATGAT[G>T]AAGTGAAAATGGACAGTTTTGAGTTTCAAGTCACCGATGGACGTAACCCTGTCTTTCGGA-3'